The following is an entry in ClinVar:

NM_004415.4(DSP):c.4447A>G (p.Ile1483Val)

Gene: DSP (desmoplakin; plus strand). Cytogenetic location: 6p24.3.
Variant type: single nucleotide variant.
Coding change: c.4447A>G on transcript NM_004415.4 (MANE Select); coding-DNA position 4447, A replaced by G.
Protein change: p.Ile1483Val; replaces isoleucine 1483 with valine.
Molecular consequence: missense variant. On other transcripts: intron variant (2).
Genome position (GRCh38, 1-based): chr6:7,580,637, A>G. VCF-style: chr6-7580637-A-G. GRCh37 (hg19) VCF-style: chr6-7580870-A-G.
Other names: c.4050+397A>G (NM_001319034.2); c.3582+865A>G (NM_001008844.3); short protein forms I1483V.
Identifiers: ClinVar variation 3072572 (VCV003072572.2), dbSNP rs775143161, ClinGen allele CA362686334.
Genomic context (GRCh38, chr6:7,580,637, plus strand): 5'-GTAAGATATAAGCAATCTCTTGATGATGCTGCCAAAACCATCCAGGATAAAAACAAGGAG[A>G]TAGAAAGGTTAAAACAACTGATCGACAAAGAAACAAATGACCGGAAATGCCTGGAAGATG-3'
Protein context (NP_004406.2, residues 1473-1493): AKTIQDKNKE[Ile1483Val]ERLKQLIDKE

ClinVar aggregate classification (germline): Uncertain significance. Review status: criteria provided, multiple submitters, no conflicts (2 of 4 stars). 2 submissions from 2 submitters: Uncertain significance (2). Last evaluated 2024-08-12.

Conditions:
Cardiomyopathy (CMYO). Also called: Cardiomyopathies. Identifiers: Orphanet 167848, MedGen C0878544, MONDO:0004994, HP:0001638. Inheritance: Various modes of inheritance.
Arrhythmogenic cardiomyopathy with wooly hair and keratoderma. Also called: PALMOPLANTAR KERATODERMA WITH LEFT VENTRICULAR CARDIOMYOPATHY AND WOOLLY HAIR; Carvajal syndrome; Dilated cardiomyopathy with woolly hair and keratoderma; Arrhythmogenic cardiomyopathy with woolly hair and keratoderma. Identifiers: Orphanet 65282, MedGen C1854063, MONDO:0011581, OMIM 605676.

gnomAD v4.1: 4 of 1,614,118 alleles (0.00025%); highest among the groups gnomAD compares: Non-Finnish European, 0.00034%; no homozygotes.

Submissions (2):

Color Diagnostics, LLC DBA Color Health
Classification: Uncertain significance for Cardiomyopathy. Last evaluated: 2024-08-12. Review status: criteria provided, single submitter. Criteria: ACMG Guidelines, 2015. Collection method: clinical testing. Allele origin: germline.
Comment: This missense variant replaces isoleucine with valine at codon 1483 of the DSP protein. Computational prediction suggests that this variant may not impact protein structure and function (internally defined REVEL score threshold <= 0.5, PMID: 27666373). To our knowledge, functional studies have not been reported for this variant. This variant has not been reported in individuals affected with DSP-related disorders in the literature. This variant has not been identified in the general population by the Genome Aggregation Database (gnomAD). The available evidence is insufficient to determine the role of this variant in disease conclusively. Therefore, this variant is classified as a Variant of Uncertain Significance.

All of Us Research Program, National Institutes of Health
Classification: Uncertain significance for Arrhythmogenic cardiomyopathy with wooly hair and keratoderma. Last evaluated: 2023-08-08. Review status: criteria provided, single submitter. Criteria: ACMG Guidelines, 2015. Collection method: clinical testing. Allele origin: germline. Inheritance: Autosomal dominant inheritance. Observed: 1 variant allele, 1 heterozygote.
Comment: This missense variant replaces isoleucine with valine at codon 1483 of the DSP protein. Computational prediction suggests that this variant may not impact protein structure and function (internally defined REVEL score threshold <= 0.5, PMID: 27666373). To our knowledge, functional studies have not been reported for this variant. This variant has not been reported in individuals affected with DSP-related disorders in the literature. This variant has not been identified in the general population by the Genome Aggregation Database (gnomAD). The available evidence is insufficient to determine the role of this variant in disease conclusively. Therefore, this variant is classified as a Variant of Uncertain Significance.

This study involves interpretation of variants in research participants for the purpose of population health screening. Participant phenotype was not available at the time of variant classification. Additional details can be found in publication PMID: 35346344, PMCID: PMC8962531